The following is an entry in ClinVar:

NM_018718.3(CEP41):c.664A>G (p.Ile222Val)

Gene: CEP41 (centrosomal protein 41; minus strand). Cytogenetic location: 7q32.2.
Variant type: single nucleotide variant.
Coding change: c.664A>G on transcript NM_018718.3 (MANE Select); coding-DNA position 664, A replaced by G.
Protein change: p.Ile222Val; replaces isoleucine 222 with valine.
Molecular consequence: missense variant. On other transcripts: non-coding transcript variant (1).
Genome position (GRCh38, 1-based): chr7:130,400,800, T>C on the plus strand (A>G on the coding strand, the complement: CEP41 is on the minus strand). VCF-style: chr7-130400800-T-C. GRCh37 (hg19) VCF-style: chr7-130040641-T-C.
Other names: c.664A>G, p.Ile222Val (NM_001257158.2); c.616A>G, p.Ile206Val (NM_001257159.2); c.664A>G (NM_018718.2); short protein forms I222V, I206V.
Identifiers: ClinVar variation 1422000 (VCV001422000.8), dbSNP rs560824415, ClinGen allele CA4485495.

ClinVar aggregate classification (germline): Uncertain significance. Review status: criteria provided, single submitter (1 of 4 stars). 2 submissions from 2 submitters: Uncertain significance (1). 1 of the submissions does not count toward it. Last evaluated 2024-02-24.

Conditions:
CEP41-related disorder. Also called: CEP41-related condition.
Joubert syndrome 15 (JBTS15). Identifiers: Orphanet 475, MedGen C3280897, MONDO:0013763, OMIM 614464.

Allele frequency attached by ClinVar (database versions not stated): gnomAD exomes 0.00002 and 0.00014; TOPMed 0.00002; gnomAD 0.00005 and 0.00002; ExAC 0.00015; 1000 Genomes Project 30x 0.00094; 1000 Genomes Project 0.00100.
gnomAD v4.1: 38 of 1,612,452 alleles (0.0024%); highest among the groups gnomAD compares: East Asian, 0.076%; no homozygotes.

Submissions (2):

Labcorp Genetics (formerly Invitae), Labcorp
Classification: Uncertain significance for Joubert syndrome 15. Last evaluated: 2024-02-24. Review status: criteria provided, single submitter. Criteria: Invitae Variant Classification Sherloc (09022015). Collection method: clinical testing. Allele origin: germline.
Comment: This sequence change replaces isoleucine, which is neutral and non-polar, with valine, which is neutral and non-polar, at codon 222 of the CEP41 protein (p.Ile222Val). This variant is present in population databases (rs560824415, gnomAD 0.2%). This variant has not been reported in the literature in individuals affected with CEP41-related conditions. ClinVar contains an entry for this variant (Variation ID: 1422000). Advanced modeling of protein sequence and biophysical properties (such as structural, functional, and spatial information, amino acid conservation, physicochemical variation, residue mobility, and thermodynamic stability) performed at Invitae indicates that this missense variant is not expected to disrupt CEP41 protein function with a negative predictive value of 80%. In summary, the available evidence is currently insufficient to determine the role of this variant in disease. Therefore, it has been classified as a Variant of Uncertain Significance.

PreventionGenetics, part of Exact Sciences
Classification: Likely benign for CEP41-related condition. Last evaluated: 2023-03-06. Review status: no assertion criteria provided. Collection method: clinical testing. Allele origin: germline. Not counted in ClinVar's aggregate classification.
Comment: This variant is classified as likely benign based on ACMG/AMP sequence variant interpretation guidelines (Richards et al. 2015 PMID: 25741868, with internal and published modifications).